The following is an entry in ClinVar:

ClinVar aggregate classification (germline): Likely benign. Review status: criteria provided, multiple submitters, no conflicts (2 of 4 stars). 2 submissions from 2 submitters: Likely benign (2). Last evaluated 2026-09-01.

Conditions:
Hereditary sensory and autonomic neuropathy type 6. Also called: Neuropathy, hereditary sensory and autonomic, type VI; HSAN VI. Identifiers: Orphanet 314381, MedGen C3539003, MONDO:0013839, OMIM 614653.
Epidermolysis bullosa simplex 3, localized or generalized intermediate, with BP230 deficiency (EBS3). Also called: Epidermolysis bullosa simplex, autosomal recessive 2; Epidermolysis bullosa simplex due to BP230 deficiency. Identifiers: Orphanet 412181, MedGen C3809470, MONDO:0014180, OMIM 615425.

Allele frequency attached by ClinVar (database versions not stated): TOPMed below 0.00001; gnomAD 0.00002.
gnomAD v4.1: 17 of 1,613,910 alleles (0.0011%); highest among the groups gnomAD compares: Middle Eastern, 0.016%; no homozygotes.

Submissions (2):

CeGaT Center for Human Genetics Tuebingen
Classification: Likely benign. Last evaluated: 2026-09-01. Review status: criteria provided, single submitter. Criteria: CeGaT Center For Human Genetics Tuebingen Variant Classification Criteria Version 2. Collection method: clinical testing. Allele origin: germline. Affected: yes. Observed: 1 variant allele.
Comment: DST: BP4, BP7

Labcorp Genetics (formerly Invitae), Labcorp
Classification: Likely benign for Epidermolysis bullosa simplex 3, localized or generalized intermediate, with BP230 deficiency; Hereditary sensory and autonomic neuropathy type 6. Last evaluated: 2024-04-30. Review status: criteria provided, single submitter. Criteria: Invitae Variant Classification Sherloc (09022015). Collection method: clinical testing. Allele origin: germline.

NM_001723.7(DST):c.3672C>T (p.Ala1224=)

Gene: DST (dystonin; minus strand). Cytogenetic location: 6p12.1.
Variant type: single nucleotide variant.
Coding change: c.3672C>T on transcript NM_001723.7 (MANE Plus Clinical); coding-DNA position 3672, C replaced by T.
Protein change: p.Ala1224=; no amino-acid change (alanine 1224 retained).
Molecular consequence: synonymous variant. On other transcripts: intron variant (10).
Genome position (GRCh38, 1-based): chr6:56,620,362, G>A on the plus strand (C>T on the coding strand, the complement: DST is on the minus strand). VCF-style: chr6-56620362-G-A. GRCh37 (hg19) VCF-style: chr6-56485160-G-A.
Other names: c.4830+4168C>T (NM_001144769.5); c.4929+4168C>T (NM_001374722.1, NM_001374736.1); c.4956+4168C>T (NM_001374734.1); c.4416+4168C>T (NM_001144770.2); c.4296+4168C>T (NM_001374730.1, NM_001386100.1, NM_183380.4 and 1 more transcripts); c.3318+4168C>T (NM_015548.5).
Identifiers: ClinVar variation 765396 (VCV000765396.10), dbSNP rs763921292, ClinGen allele CA139209903.